The following is an entry in ClinVar:

NM_000276.4(OCRL):c.1000C>T (p.Arg334Ter)

Gene: OCRL (OCRL inositol polyphosphate-5-phosphatase; plus strand). Cytogenetic location: Xq26.1.
Variant type: single nucleotide variant.
Coding change: c.1000C>T on transcript NM_000276.4 (MANE Select); coding-DNA position 1000, C replaced by T.
Protein change: p.Arg334Ter; replaces arginine 334 with a stop codon.
Molecular consequence: nonsense.
Genome position (GRCh38, 1-based): chrX:129,562,444, C>T. VCF-style: chrX-129562444-C-T. GRCh37 (hg19) VCF-style: chrX-128696421-C-T.
Other names: c.1003C>T, p.Arg335Ter (NM_001318784.2); c.1000C>T, p.Arg334Ter (NM_001587.4); short protein forms R334*, R335*.
Identifiers: ClinVar variation 500705 (VCV000500705.14), dbSNP rs1556346316, ClinGen allele CA414552583.

ClinVar aggregate classification (germline): Pathogenic. Review status: criteria provided, multiple submitters, no conflicts (2 of 4 stars). 5 submissions from 5 submitters: Pathogenic (5). Last evaluated 2025-09-24.

Conditions:
OCRL-related disorder. Also called: OCRL-related condition.
Lowe syndrome (OCRL). Also called: Oculocerebrorenal Syndrome; LOWE OCULOCEREBRORENAL SYNDROME; PHOSPHATIDYLINOSITOL 4,5-BISPHOSPHATE 5-PHOSPHATASE DEFICIENCY. Identifiers: Orphanet 534, MedGen C0028860, MONDO:0010645, OMIM 309000.

Submissions (5):

Genesolutions, Medical Genetics Institutes, Ho Chi Minh City, Vietnam
Classification: Pathogenic for Lowe syndrome. Last evaluated: 2025-09-24. Review status: criteria provided, single submitter. Criteria: ACMG Guidelines, 2015. Collection method: clinical testing. Allele origin: germline. Affected: yes.

GeneDx
Classification: Pathogenic. Last evaluated: 2024-11-08. Review status: criteria provided, single submitter. Criteria: GeneDx Variant Classification Process June 2021. Collection method: clinical testing. Allele origin: germline. Affected: yes.
Comment: Nonsense variant predicted to result in protein truncation or nonsense mediated decay in a gene for which loss of function is a known mechanism of disease; Not observed at significant frequency in large population cohorts (gnomAD); This variant is associated with the following publications: (PMID: 24912603, 25525159, 10364518, 35803701, 35919034, 36628231, 28973083, 25480730)

Blueprint Genetics
Classification: Pathogenic for OCRL-related disorders. Last evaluated: 2024-04-10. Review status: criteria provided, single submitter. Criteria: ACMG Guidelines, 2015. Collection method: clinical testing. Allele origin: germline. Affected: yes. Observed: 2 variant alleles.

Labcorp Genetics (formerly Invitae), Labcorp
Classification: Pathogenic for Lowe syndrome. Last evaluated: 2021-06-06. Review status: criteria provided, single submitter. Criteria: Invitae Variant Classification Sherloc (09022015). Collection method: clinical testing. Allele origin: germline.
Comment: This sequence change creates a premature translational stop signal (p.Arg334*) in the OCRL gene. It is expected to result in an absent or disrupted protein product. This variant is not present in population databases (ExAC no frequency). This variant has been observed to segregate with Lowe syndrome in a family (PMID: 10364518) and is present in individuals with Lowe syndrome (PMID: 25480730, 28973083). ClinVar contains an entry for this variant (Variation ID: 500705). Loss-of-function variants in OCRL are known to be pathogenic (PMID: 21031565, 22381590). For these reasons, this variant has been classified as Pathogenic.

Eurofins Ntd Llc (ga)
Classification: Pathogenic. Last evaluated: 2017-03-09. Review status: criteria provided, single submitter. Criteria: EGL Classification Definitions 2015. Collection method: clinical testing. Allele origin: germline. Observed: 1 variant allele, 1 hemizygote.

Literature cited by the submitters: PubMed 10364518 (cited by Labcorp Genetics (formerly Invitae), Labcorp); PubMed 25480730 (cited by Labcorp Genetics (formerly Invitae), Labcorp); PubMed 28973083 (cited by Labcorp Genetics (formerly Invitae), Labcorp); PubMed 21031565 (cited by Labcorp Genetics (formerly Invitae), Labcorp); PubMed 22381590 (cited by Labcorp Genetics (formerly Invitae), Labcorp).